The following is an entry in ClinVar:

ClinVar aggregate classification (germline): not provided. Review status: no classification provided (0 of 4 stars). 3 submissions from 1 submitter: not provided (3).

Conditions:
Preeclampsia. Identifiers: Orphanet 275555, MedGen C0032914, MONDO:0005081, HP:0100602.
Normal pregnancy. Identifiers: MedGen C0232989.
Gestational diabetes mellitus uncontrolled. Identifiers: MedGen C3532257.

Submissions (3):

Institute of Molecular and Cell Biology, University of Tartu
No classification provided. Condition: Normal pregnancy. Review status: no classification provided. Collection method: case-control. Allele origin: unknown. Affected: yes. Study: Kasak2014.
Comment: The study aimed to determine the contribution of copy number variants in the genetic etiology of normal and complicated pregnancies. The samples represented (i) maternal blood DNA drawn from healthy pregnant women during 1st or 2nd trimester and (ii) maternal and paternal blood DNA drawn at term pregnancy cases representing normal and complicated gestations (severe preeclampsia, PE; gestational diabetes, GD; small-for-gestational age newborn, SGA; large-for-gestational age newborn, LGA). We performed CNV calling based on genome-wide genotyping dataset (Illumina HumanOmniExpress-24-v1 BeadChip) by applying three algorithms, QuantiSNP, GADA (Genome Alteration Detection Algorithm) and CNstream in parallel. The acquired CNV calls were merged with HD-CNV (Hotspot Detector for Copy Number Variants) program and only the CNVs predicted by at least two programs, were considered in subsequent analysis.

Institute of Molecular and Cell Biology, University of Tartu
No classification provided. Condition: Preeclampsia. Review status: no classification provided. Collection method: case-control. Allele origin: unknown. Affected: yes. Study: Kasak2014.
Comment: the same text as in the submission from Institute of Molecular and Cell Biology, University of Tartu above.

Institute of Molecular and Cell Biology, University of Tartu
No classification provided. Condition: Gestational diabetes mellitus uncontrolled. Review status: no classification provided. Collection method: case-control. Allele origin: unknown. Affected: yes. Study: Kasak2014.
Comment: the same text as in the submission from Institute of Molecular and Cell Biology, University of Tartu above.

Literature cited by the submitters: PubMed 25666259.

Single allele

Variant type: Deletion.
Identifiers: ClinVar variation 157017 (VCV000157017.2).